The following is an entry in ClinVar:

NM_000038.6(APC):c.7619C>A (p.Pro2540Gln)

Gene: APC (APC regulator of Wnt signaling pathway; plus strand). Cytogenetic location: 5q22.2.
Variant type: single nucleotide variant.
Coding change: c.7619C>A on transcript NM_000038.6 (MANE Select); coding-DNA position 7619, C replaced by A.
Protein change: p.Pro2540Gln; replaces proline 2540 with glutamine.
Molecular consequence: missense variant. On other transcripts: non-coding transcript variant (2).
Genome position (GRCh38, 1-based): chr5:112,843,213, C>A. VCF-style: chr5-112843213-C-A. GRCh37 (hg19) VCF-style: chr5-112178910-C-A.
Other names: c.7316C>A, p.Pro2439Gln (NM_001407458.1, NM_001407460.1, NM_001407459.1 and 1 more transcripts); c.7232C>A, p.Pro2411Gln (NM_001407467.1, NM_001407469.1); c.6770C>A, p.Pro2257Gln (NM_001407470.1, NM_001354906.2); c.6467C>A, p.Pro2156Gln (NM_001407471.1, NM_001407472.1); c.7619C>A, p.Pro2540Gln (NM_001127510.3, NM_001354895.2, NM_001407450.1); c.7565C>A, p.Pro2522Gln (NM_001127511.3); c.7673C>A, p.Pro2558Gln (NM_001354896.2, NM_001407447.1, NM_001407448.1 and 1 more transcripts); c.7649C>A, p.Pro2550Gln (NM_001354897.2); and 12 more; short protein forms P2156Q, P2257Q, P2380Q, P2411Q, P2414Q, P2439Q, P2449Q, P2457Q.
Identifiers: ClinVar variation 2691438 (VCV002691438.5), dbSNP rs777667481, ClinGen allele CA048722.

ClinVar aggregate classification (germline): Uncertain significance. Review status: criteria provided, multiple submitters, no conflicts (2 of 4 stars). 3 submissions from 3 submitters: Uncertain significance (3). Last evaluated 2025-06-06.

Conditions:
Familial adenomatous polyposis 1 (FAP1). Also called: FAMILIAL ADENOMATOUS POLYPOSIS 1, ATTENUATED; POLYPOSIS, ADENOMATOUS INTESTINAL. Identifiers: MedGen C2713442, MONDO:0021056, OMIM 175100. Disease mechanism: loss of function.
Hereditary cancer-predisposing syndrome. Also called: Neoplastic Syndromes, Hereditary; Hereditary Cancer Syndrome; Tumor predisposition; Hereditary neoplastic syndrome. Identifiers: Orphanet 140162, MedGen C0027672, MeSH D009386, MONDO:0015356.

Allele frequency attached by ClinVar (database versions not stated): ExAC 0.00001.
gnomAD v4.1: 1 of 1,613,742 alleles (0.000062%); highest among the groups gnomAD compares: Non-Finnish European, 0.000085%; no homozygotes.

Submissions (3):

Ambry Genetics
Classification: Uncertain significance for Hereditary cancer-predisposing syndrome. Last evaluated: 2025-06-06. Review status: criteria provided, single submitter. Criteria: Ambry Variant Classification Scheme 2023. Collection method: clinical testing. Allele origin: germline.
Comment: The p.P2540Q variant (also known as c.7619C>A), located in coding exon 15 of the APC gene, results from a C to A substitution at nucleotide position 7619. The proline at codon 2540 is replaced by glutamine, an amino acid with similar properties. This amino acid position is conserved. In addition, in silico predictors for this gene do not accurately predict pathogenicity. Based on the available evidence, the clinical significance of this variant remains unclear.

Women's Health and Genetics/Laboratory Corporation of America, LabCorp
Classification: Uncertain significance. Last evaluated: 2023-12-28. Review status: criteria provided, single submitter. Criteria: LabCorp Variant Classification Summary - May 2015. Collection method: clinical testing. Allele origin: germline.
Comment: Variant summary: APC c.7619C>A (p.Pro2540Gln) results in a non-conservative amino acid change located in the Adenomatous polyposis coli protein basic domain (IPR009234) of the encoded protein sequence. Four of five in-silico tools predict a damaging effect of the variant on protein function. The variant allele was found at a frequency of 4e-06 in 250632 control chromosomes (gnomAD). The available data on variant occurrences in the general population are insufficient to allow any conclusion about variant significance. To our knowledge, no occurrence of c.7619C>A in individuals affected with Colorectal Cancer Risk and no experimental evidence demonstrating its impact on protein function have been reported. No submitters have cited clinical-significance assessments for this variant to ClinVar after 2014. Based on the evidence outlined above, the variant was classified as uncertain significance.

Labcorp Genetics (formerly Invitae), Labcorp
Classification: Uncertain significance for Familial adenomatous polyposis 1. Last evaluated: 2023-02-20. Review status: criteria provided, single submitter. Criteria: Invitae Variant Classification Sherloc (09022015). Collection method: clinical testing. Allele origin: germline.
Comment: This variant is present in population databases (rs777667481, gnomAD 0.0009%). This sequence change replaces proline, which is neutral and non-polar, with glutamine, which is neutral and polar, at codon 2540 of the APC protein (p.Pro2540Gln). This variant has not been reported in the literature in individuals affected with APC-related conditions. In summary, the available evidence is currently insufficient to determine the role of this variant in disease. Therefore, it has been classified as a Variant of Uncertain Significance. Advanced modeling of protein sequence and biophysical properties (such as structural, functional, and spatial information, amino acid conservation, physicochemical variation, residue mobility, and thermodynamic stability) performed at Invitae indicates that this missense variant is not expected to disrupt APC protein function.